The following is an entry in ClinVar:

NM_000256.3(MYBPC3):c.298G>C (p.Ala100Pro)

Gene: MYBPC3 (myosin binding protein C3; minus strand). Cytogenetic location: 11p11.2.
Variant type: single nucleotide variant.
Coding change: c.298G>C on transcript NM_000256.3 (MANE Select); coding-DNA position 298, G replaced by C.
Protein change: p.Ala100Pro; replaces alanine 100 with proline.
Molecular consequence: missense variant.
Genome position (GRCh38, 1-based): chr11:47,350,610, C>G on the plus strand (G>C on the coding strand, the complement: MYBPC3 is on the minus strand). VCF-style: chr11-47350610-C-G. GRCh37 (hg19) VCF-style: chr11-47372161-C-G.
Other names: short protein forms A100P.
Identifiers: ClinVar variation 4757392 (VCV004757392.1).

ClinVar aggregate classification (germline): Uncertain significance (1 of 4 stars; one submission).

Conditions:
Cardiomyopathy (CMYO). Also called: Cardiomyopathies. Identifiers: Orphanet 167848, MedGen C0878544, MONDO:0004994, HP:0001638. Inheritance: Various modes of inheritance.

Submission:

Color Diagnostics, LLC DBA Color Health
Classification: Uncertain significance for Cardiomyopathy. Last evaluated: 2025-06-30. Review status: criteria provided, single submitter. Criteria: ACMG Guidelines, 2015. Collection method: clinical testing. Allele origin: germline.
Comment: This missense variant replaces alanine with proline at codon 100 of the MYBPC3 protein. Computational prediction suggests that this variant may not impact protein structure and function. To our knowledge, functional studies have not been reported for this variant. This variant has not been reported in individuals affected with MYBPC3-related disorders in the literature. This variant has not been identified in the general population by the Genome Aggregation Database (gnomAD). The available evidence is insufficient to determine the role of this variant in disease conclusively. Therefore, this variant is classified as a Variant of Uncertain Significance.